The following is an entry in ClinVar:

NM_001164508.2(NEB):c.2696_2699dup (p.Gln901fs)

Gene: NEB (nebulin; minus strand). Cytogenetic location: 2q23.3.
Variant type: Duplication.
Coding change: c.2696_2699dup on transcript NM_001164508.2 (MANE Select); coding-DNA positions 2696 to 2699, 4 bases duplicated (TGCT; older notation c.2696_2699dupTGCT).
Protein change: p.Gln901fs; shifts the reading frame from glutamine 901.
Molecular consequence: frameshift variant.
Genome position (GRCh38, 1-based): chr2:151,684,914-151,684,917, AGCA duplicated on the plus strand (TGCT on the coding strand, the reverse complement: NEB is on the minus strand). VCF-style (leftmost placement, unchanged base first): chr2-151684913-G-GAGCA. GRCh37 (hg19) VCF-style: chr2-152541427-G-GAGCA.
Other names: c.2696_2699dup, p.Gln901fs (NM_001164507.2, NM_001271208.2, NM_004543.5); short protein forms Q901fs.
Identifiers: ClinVar variation 5012694 (VCV005012694.1).

ClinVar aggregate classification (germline): Pathogenic (1 of 4 stars; one submission).

Conditions:
Nemaline myopathy 2 (NEM2). Also called: Nemaline myopathy 2, autosomal recessive. Identifiers: MedGen C1850569, MONDO:0009725, OMIM 256030.

Submission:

Myriad Genetics, Inc.
Classification: Pathogenic for Nemaline myopathy 2. Last evaluated: 2024-01-30. Review status: criteria provided, single submitter. Criteria: Myriad Autosomal Dominant, Autosomal Recessive and X-Linked Classification Criteria (2023). Collection method: clinical testing. Allele origin: unknown.
Comment: NM_001271208.1(NEB):c.2696_2699dupTGCT(Q901Afs*7) is expected to be pathogenic in the context of NEB-related nemaline myopathy. This variant is predicted to lead to an abnormal or absent protein product due to the creation of a premature termination codon in NEB, a gene where loss-of-function variants are known to be pathogenic. Please note: this variant was assessed in the context of healthy population screening.